The following is an entry in ClinVar:

NM_003319.4(TTN):c.22101_22120del (p.Val7368fs)

Genes: TTN (titin; minus strand), TTN-AS1 (TTN antisense RNA 1; plus strand). Cytogenetic location: 2q31.2.
Variant type: Deletion.
Coding change: c.22101_22120del on transcript NM_003319.4; coding-DNA positions 22101 to 22120, 20 bases deleted (TGTTGGTGAACCAGTTCAGG).
Protein change: p.Val7368fs; shifts the reading frame from valine 7368.
Molecular consequence: frameshift variant (on NM_133378.4).
Genome position (GRCh38, 1-based): chr2:178,614,082-178,614,101, CCTGAACTGGTTCACCAACA deleted on the plus strand (TGTTGGTGAACCAGTTCAGG on the coding strand, the reverse complement: TTN is on the minus strand); deleting any 20 consecutive bases within chr2:178,614,082-178,614,103 gives the same sequence; the c. name uses the placement nearest the transcript's 3' end. VCF-style (leftmost placement, unchanged base first): chr2-178614081-GCCTGAACTGGTTCACCAACA-G. GRCh37 (hg19) VCF-style: chr2-179478808-GCCTGAACTGGTTCACCAACA-G.
Other names: c.22101_22120del20 (NM_003319.4); c.22677_22696del, p.Val7560fs (NM_133437.4); c.44373_44392del, p.Val14792fs (NM_001256850.1); c.49296_49315del, p.Val16433fs (NM_001267550.2); c.22476_22495del, p.Val7493fs (NM_133432.3); c.41592_41611del, p.Val13865fs (NM_133378.4); short protein forms V7560fs, V16433fs, V7493fs, V13865fs, V14792fs, V7368fs.
Identifiers: ClinVar variation 179375 (VCV000179375.18), dbSNP rs727504825, ClinGen allele CA273619.

ClinVar aggregate classification (germline): Likely pathogenic. Review status: criteria provided, multiple submitters, no conflicts (2 of 4 stars). 4 submissions from 4 submitters: Likely pathogenic (4). Last evaluated 2019-11-29.

Conditions:
Dilated cardiomyopathy 1G (CMD1G). Identifiers: Orphanet 154, MedGen C1858763, MONDO:0011400, OMIM 604145.
Autosomal recessive limb-girdle muscular dystrophy type 2J (LGMDR10). Also called: Limb-girdle muscular dystrophy, type 2J; MUSCULAR DYSTROPHY, LIMB-GIRDLE, AUTOSOMAL RECESSIVE 10. Identifiers: Orphanet 140922, MedGen C1837342, MONDO:0012127, OMIM 608807.
Cardiovascular phenotype. Identifiers: MedGen CN230736.
Cardiomyopathy (CMYO). Also called: Cardiomyopathies. Identifiers: Orphanet 167848, MedGen C0878544, MONDO:0004994, HP:0001638. Inheritance: Various modes of inheritance.
Primary dilated cardiomyopathy (DCM). Also called: Dilated Cardiomyopathy. Identifiers: Orphanet 217604, MedGen C0007193, MeSH D002311, MONDO:0005021, HP:0001644. Inheritance: Various modes of inheritance.

Submissions (4):

Women's Health and Genetics/Laboratory Corporation of America, LabCorp
Classification: Likely pathogenic for Cardiomyopathy. Last evaluated: 2019-11-29. Review status: criteria provided, single submitter. Criteria: LabCorp Variant Classification Summary - May 2015. Collection method: clinical testing. Allele origin: germline.
Comment: Variant summary: TTN c.41592_41611del20 (p.Val13865LeufsX10) results in a premature termination codon, predicted to cause a truncation of the encoded protein or absence of the protein due to nonsense mediated decay, which are commonly known mechanisms for disease. The variant was absent in 247414 control chromosomes (gnomAD). To our knowledge, no occurrence of c.41592_41611del20 in individuals affected with Cardiomyopathy and no experimental evidence demonstrating its impact on protein function have been reported. No clinical diagnostic laboratories have submitted clinical-significance assessments for this variant to ClinVar after 2014. Based on the evidence outlined above, the variant was classified as likely pathogenic.

Labcorp Genetics (formerly Invitae), Labcorp
Classification: Likely pathogenic for Dilated cardiomyopathy 1G; Autosomal recessive limb-girdle muscular dystrophy type 2J. Last evaluated: 2019-06-27. Review status: criteria provided, single submitter. Criteria: Invitae Variant Classification Sherloc (09022015). Collection method: clinical testing. Allele origin: germline.
Comment: In summary, the currently available evidence indicates that the variant is pathogenic, but additional data are needed to prove that conclusively. Therefore, this variant has been classified as Likely Pathogenic. This variant is located in the A band of TTN (PMID: 25589632). Truncating variants in this region are significantly overrepresented in patients affected with dilated cardiomyopathy (PMID: 25589632). Truncating variants in this region have also been reported in individuals affected with autosomal recessive centronuclear myopathy (PMID: 23975875). This variant has not been reported in the literature in individuals with TTN-related conditions. This variant is not present in population databases (ExAC no frequency). This sequence change results in a premature translational stop signal in the TTN gene (p.Val16433Leufs*10). While this is not anticipated to result in nonsense mediated decay, it is expected to create a truncated TTN protein.

Ambry Genetics
Classification: Likely pathogenic for Cardiovascular phenotype. Last evaluated: 2018-12-18. Review status: criteria provided, single submitter. Criteria: Ambry Variant Classification Scheme 2023. Collection method: clinical testing. Allele origin: germline.
Comment: The c.22101_22120del20 variant, located in coding exon 89 of the TTN gene, results from a deletion of 20 nucleotides at nucleotide positions 22101 to 22120, causing a translational frameshift with a predicted alternate stop codon (p.V7368Lfs*10). This exon is located in the A-band region of the N2-B isoform of the titin protein and is constitutively expressed in TTN transcripts (percent spliced in or PSI 100%). While truncating variants in TTN are present in 1-3% of the general population, truncating variants in the A-band are the most common cause of dilated cardiomyopathy (DCM) (Herman DS et al. N. Engl. J. Med. 2012 Feb;366:619-28; Roberts AM et al. Sci Transl Med. 2015 Jan;7:270ra6). TTN truncating variants encoded in constitutive exons (PSI >90%) have been found to be significantly associated with DCM regardless of their position in titin (Schafer S et al. Nat. Genet. 2017 Jan;49:46-53). This alteration is expected to result in loss of function by premature protein truncation or nonsense-mediated mRNA decay. As such, this alteration is classified as likely pathogenic.

Laboratory for Molecular Medicine, Mass General Brigham Personalized Medicine
Classification: Likely pathogenic for Primary dilated cardiomyopathy. Last evaluated: 2013-11-01. Review status: criteria provided, single submitter. Criteria: LMM Criteria. Collection method: clinical testing. Allele origin: germline. Inheritance: Autosomal dominant inheritance. Observed: 1 variant allele.
Comment: The Val13865fs variant in TTN has not been reported in individuals with cardimoy opathy or in large population studies. This frameshift variant is predicted to a lter the protein?s amino acid sequence beginning at position 13865 and lead to a premature termination codon 10 amino acids downstream. This alteration is then predicted to lead to a truncated or absent protein which is strongly associated with DCM (Herman 2012). In summary, this variant is likely pathogenic, though ad ditional studies are required to fully establish its clinical significance.

Literature cited by the submitters: PubMed 25589632 (cited by Labcorp Genetics (formerly Invitae), Labcorp); PubMed 23975875 (cited by Labcorp Genetics (formerly Invitae), Labcorp).